The following is an entry in ClinVar:

ClinVar aggregate classification (germline): Uncertain significance. Review status: criteria provided, multiple submitters, no conflicts (2 of 4 stars). 9 submissions from 9 submitters: Uncertain significance (9). Last evaluated 2026-04-08.

Conditions:
Pontocerebellar hypoplasia, type 1E. Identifiers: MedGen C5543328, MONDO:0030260, OMIM 619303.
Neuropathy, hereditary motor and sensory, type 6B (HMSN6B). Also called: HMSN VIB; CHARCOT-MARIE-TOOTH DISEASE, TYPE 6B; NEUROPATHY, HEREDITARY MOTOR AND SENSORY, TYPE VIB, WITH OPTIC ATROPHY; Neuropathy, hereditary motor and sensory, type VIB. Identifiers: MedGen C4225302, MONDO:0014671, OMIM 616505.
Inborn genetic diseases. Identifiers: MedGen C0950123, MeSH D030342.
SLC25A46-related disorder. Also called: SLC25A46-related condition.

Allele frequency attached by ClinVar (database versions not stated): 1000 Genomes Project 30x 0.00016; ESP Exome Variant Server 0.00016; 1000 Genomes Project 0.00020; gnomAD exomes 0.00026; ExAC 0.00037; gnomAD 0.00054 and 0.00056; TOPMed 0.00074.
gnomAD v4.1: 867 of 1,580,704 alleles (0.055%); highest among the groups gnomAD compares: Admixed American, 0.075%; 3 homozygotes.

Submissions (9):

Women's Health and Genetics/Laboratory Corporation of America, LabCorp
Classification: Uncertain significance. Last evaluated: 2026-04-08. Review status: criteria provided, single submitter. Criteria: LabCorp Variant Classification Summary - May 2015. Collection method: clinical testing. Allele origin: germline.
Comment: Variant summary: SLC25A46 c.148C>A (p.Pro50Thr) results in a non-conservative amino acid change in the encoded protein sequence. Algorithms developed to predict the effect of missense changes on protein structure and function all suggest that this variant is likely to be disruptive. The variant allele was found at a frequency of 0.00026 in 191398 control chromosomes. This frequency is not significantly higher than estimated for disease-causing variants in SLC25A46, allowing no conclusion about variant significance. To our knowledge, no occurrence of c.148C>A in individuals affected with SLC25A46-related conditions and no experimental evidence demonstrating its impact on protein function have been reported. ClinVar contains an entry for this variant (Variation ID: 542451). Based on the evidence outlined above, the variant was classified as uncertain significance.

PreventionGenetics, part of Exact Sciences
Classification: Uncertain significance for SLC25A46-related condition. Last evaluated: 2026-03-12. Review status: criteria provided, single submitter. Criteria: ACMG Guidelines, 2015. Collection method: clinical testing. Allele origin: germline.
Comment: The SLC25A46 c.148C>A variant is predicted to result in the amino acid substitution p.Pro50Thr. To our knowledge, this variant has not been reported in the literature. This variant is reported in 0.047% of alleles in individuals of European (Non-Finnish) descent in gnomAD. At this time, the clinical significance of this variant is uncertain due to the absence of conclusive functional and genetic evidence.

GeneDx
Classification: Uncertain significance. Last evaluated: 2025-12-10. Review status: criteria provided, single submitter. Criteria: GeneDx Variant Classification Process June 2021. Collection method: clinical testing. Allele origin: germline. Affected: yes.
Comment: In silico analysis suggests that this missense variant does not alter protein structure/function; Has not been previously published as pathogenic or benign to our knowledge; This variant is associated with the following publications: (PMID: Schneider2025[preprint])

Mayo Clinic Laboratories, Mayo Clinic
Classification: Uncertain significance. Last evaluated: 2024-11-27. Review status: criteria provided, single submitter. Criteria: ACMG Guidelines, 2015. Collection method: clinical testing. Allele origin: germline. Observed: 2 variant alleles.

Blueprint Genetics
Classification: Uncertain significance. Last evaluated: 2024-10-10. Review status: criteria provided, single submitter. Criteria: ACMG Guidelines, 2015. Collection method: clinical testing. Allele origin: germline.

Ambry Genetics
Classification: Uncertain significance for Inborn genetic diseases. Last evaluated: 2023-11-15. Review status: criteria provided, single submitter. Criteria: Ambry Variant Classification Scheme 2023. Collection method: clinical testing. Allele origin: germline.
Comment: The c.148C>A (p.P50T) alteration is located in exon 1 (coding exon 1) of the SLC25A46 gene. This alteration results from a C to A substitution at nucleotide position 148, causing the proline (P) at amino acid position 50 to be replaced by a threonine (T). The alteration has been observed in population databases: _x000D_ _x000D_ Based on data from the Genome Aggregation Database (gnomAD), the c.148C>A alteration was observed in 0.03% (59/222,796) of total alleles studied, with a frequency of 0.05% (45/96,316) in the European (non-Finnish) subpopulation. This amino acid position is highly conserved in available vertebrate species. The in silico prediction for the p.P50T alteration is inconclusive. Based on insufficient or conflicting evidence, the clinical significance of this alteration remains unclear.

Labcorp Genetics (formerly Invitae), Labcorp
Classification: Uncertain significance for Neuropathy, hereditary motor and sensory, type 6B. Last evaluated: 2022-10-22. Review status: criteria provided, single submitter. Criteria: Invitae Variant Classification Sherloc (09022015). Collection method: clinical testing. Allele origin: germline.
Comment: This sequence change replaces proline, which is neutral and non-polar, with threonine, which is neutral and polar, at codon 50 of the SLC25A46 protein (p.Pro50Thr). This variant is present in population databases (rs147648476, gnomAD 0.05%). This variant has not been reported in the literature in individuals affected with SLC25A46-related conditions. ClinVar contains an entry for this variant (Variation ID: 542451). Algorithms developed to predict the effect of missense changes on protein structure and function are either unavailable or do not agree on the potential impact of this missense change (SIFT: "Deleterious"; PolyPhen-2: "Probably Damaging"; Align-GVGD: "Class C0"). In summary, the available evidence is currently insufficient to determine the role of this variant in disease. Therefore, it has been classified as a Variant of Uncertain Significance.

CeGaT Center for Human Genetics Tuebingen
Classification: Uncertain significance. Last evaluated: 2022-01-01. Review status: criteria provided, single submitter. Criteria: CeGaT Center For Human Genetics Tuebingen Variant Classification Criteria Version 2. Collection method: clinical testing. Allele origin: germline. Affected: yes. Observed: 1 variant allele.

Breakthrough Genomics
Classification: Uncertain significance. Review status: criteria provided, single submitter. Criteria: ACMG Guidelines, 2015. Collection method: not provided. Allele origin: germline. Inheritance: Autosomal recessive inheritance. Affected: yes.

NM_138773.4(SLC25A46):c.148C>A (p.Pro50Thr)

Gene: SLC25A46 (solute carrier family 25 member 46; plus strand). Cytogenetic location: 5q22.1.
Variant type: single nucleotide variant.
Coding change: c.148C>A on transcript NM_138773.4 (MANE Select); coding-DNA position 148, C replaced by A.
Protein change: p.Pro50Thr; replaces proline 50 with threonine.
Molecular consequence: missense variant. On other transcripts: non-coding transcript variant (1), intron variant (1).
Genome position (GRCh38, 1-based): chr5:110,739,267, C>A. VCF-style: chr5-110739267-C-A. GRCh37 (hg19) VCF-style: chr5-110074968-C-A.
Other names: p.Pro50Thr; c.148C>A (NM_138773.3); c.148C>A, p.Pro50Thr (NM_001303249.3); c.10+1020C>A (NM_001303250.3); short protein forms P50T.
Identifiers: ClinVar variation 542451 (VCV000542451.54), dbSNP rs147648476, ClinGen allele CA3364480.